The following is an entry in ClinVar:

ClinVar aggregate classification (germline): Uncertain significance (1 of 4 stars; one submission).

Submission:

GeneDx
Classification: Uncertain significance. Last evaluated: 2019-12-27. Review status: criteria provided, single submitter. Criteria: GeneDx Variant Classification Process June 2021. Collection method: clinical testing. Allele origin: germline. Affected: yes.
Comment: Not observed in large population cohorts (Lek et al., 2016); In silico analysis, which includes splice predictors and evolutionary conservation, suggests this variant may impact gene splicing. In the absence of RNA/functional studies, the actual effect of this sequence change is unknown.; In silico analysis, which includes protein predictors and evolutionary conservation, supports that this variant does not alter protein structure/function; Has not been previously published as pathogenic or benign to our knowledge

NM_001127222.2(CACNA1A):c.3536A>G (p.Asn1179Ser)

Gene: CACNA1A (calcium voltage-gated channel subunit alpha1 A; minus strand). Cytogenetic location: 19p13.13.
Variant type: single nucleotide variant.
Coding change: c.3536A>G on transcript NM_001127222.2 (MANE Select); coding-DNA position 3536, A replaced by G.
Protein change: p.Asn1179Ser; replaces asparagine 1179 with serine.
Molecular consequence: missense variant.
Genome position (GRCh38, 1-based): chr19:13,286,520, T>C on the plus strand (A>G on the coding strand, the complement: CACNA1A is on the minus strand). VCF-style: chr19-13286520-T-C. GRCh37 (hg19) VCF-style: chr19-13397334-T-C.
Other names: c.3548A>G, p.Asn1183Ser (NM_000068.4, NM_023035.3); c.3539A>G, p.Asn1180Ser (NM_001127221.2, NM_001174080.2); short protein forms N1179S, N1180S, N1183S.
Identifiers: ClinVar variation 1214788 (VCV001214788.3), dbSNP rs2144886914, ClinGen allele CA404341178.
Genomic context (GRCh38, chr19:13,286,520, plus strand): 5'-CGCCAGGTCCCCTGCCCAGTGATGTGAGAGCAGAGGGTCTCACCTTGTACGACGGTGTGG[T>C]TGAGGGGGGGTGGGCAGGCTGGGGGGATGTCCACTGTGGTGTGGTCGGGTTTCCTGGCAG-3'
Protein context (NP_001120694.1, residues 1169-1189): DIPPACPPPL[Asn1179Ser]HTVVQVNKNA